The following is an entry in ClinVar:

NM_001384900.1(SEMA3D):c.411C>T (p.Pro137=)

Gene: SEMA3D (semaphorin 3D; minus strand). Cytogenetic location: 7q21.11.
Variant type: single nucleotide variant.
Coding change: c.411C>T on transcript NM_001384900.1 (MANE Select); coding-DNA position 411, C replaced by T.
Protein change: p.Pro137=; no amino-acid change (proline 137 retained).
Molecular consequence: synonymous variant.
Genome position (GRCh38, 1-based): chr7:85,073,046, G>A on the plus strand (C>T on the coding strand, the complement: SEMA3D is on the minus strand). VCF-style: chr7-85073046-G-A. GRCh37 (hg19) VCF-style: chr7-84702362-G-A.
Other names: c.411C>T, p.Pro137= (NM_001384901.1, NM_001384902.1, NM_001384903.1 and 1 more transcripts).
Identifiers: ClinVar variation 2657656 (VCV002657656.24), dbSNP rs1164378147, ClinGen allele CA456315061.

ClinVar aggregate classification (germline): Likely benign (1 of 4 stars; one submission).

Submission:

CeGaT Center for Human Genetics Tuebingen
Classification: Likely benign. Last evaluated: 2022-12-01. Review status: criteria provided, single submitter. Criteria: CeGaT Center For Human Genetics Tuebingen Variant Classification Criteria Version 2. Collection method: clinical testing. Allele origin: germline. Affected: yes. Observed: 1 variant allele.
Comment: SEMA3D: PM2:Supporting, BP4, BP7